The following is an entry in ClinVar:

ClinVar aggregate classification (germline): Likely benign. Review status: criteria provided, multiple submitters, no conflicts (2 of 4 stars). 2 submissions from 2 submitters: Likely benign (2). Last evaluated 2026-06-08.

Conditions:
TBX3-related disorder. Also called: TBX3-related condition.
Ulnar-mammary syndrome (UMS). Also called: SCHINZEL SYNDROME; Ulnar-mammary syndrome of Pallister; PALLISTER ULNAR-MAMMARY SYNDROME. Identifiers: Orphanet 3138, MedGen C1866994, MONDO:0008411, OMIM 181450.

Allele frequency attached by ClinVar (database versions not stated): gnomAD exomes below 0.00001; TOPMed below 0.00001.
gnomAD v4.1: 3 of 1,614,248 alleles (0.00019%); highest among the groups gnomAD compares: Non-Finnish European, 0.00025%; no homozygotes.

Submissions (2):

PreventionGenetics, part of Exact Sciences
Classification: Likely benign for TBX3-related condition. Last evaluated: 2026-06-08. Review status: criteria provided, single submitter. Criteria: ACMG Guidelines, 2015. Collection method: clinical testing. Allele origin: germline.
Comment: This variant is classified as likely benign based on ACMG/AMP sequence variant interpretation guidelines (Richards et al. 2015 PMID: 25741868, with internal and published modifications).

Labcorp Genetics (formerly Invitae), Labcorp
Classification: Likely benign for Ulnar-mammary syndrome. Last evaluated: 2023-03-20. Review status: criteria provided, single submitter. Criteria: Invitae Variant Classification Sherloc (09022015). Collection method: clinical testing. Allele origin: germline.

NM_005996.4(TBX3):c.366G>A (p.Glu122=)

Genes: TBX3 (T-box transcription factor 3; minus strand), TBX3-AS1 (TBX3 antisense RNA 1; plus strand). Cytogenetic location: 12q24.21.
Variant type: single nucleotide variant.
Coding change: c.366G>A on transcript NM_005996.4 (MANE Select); coding-DNA position 366, G replaced by A.
Protein change: p.Glu122=; no amino-acid change (glutamic acid 122 retained).
Molecular consequence: synonymous variant.
Genome position (GRCh38, 1-based): chr12:114,682,835, C>T on the plus strand (G>A on the coding strand, the complement: TBX3 is on the minus strand). VCF-style: chr12-114682835-C-T. GRCh37 (hg19) VCF-style: chr12-115120640-C-T.
Other names: c.366G>A (NM_016569.3); c.366G>A, p.Glu122= (NM_016569.4).
Identifiers: ClinVar variation 2730383 (VCV002730383.4), dbSNP rs1868997531, ClinGen allele CA482136015.
Genomic context (GRCh38, chr12:114,682,835, plus strand): 5'-CTCCAACAGCTTAGGGGAGGAGGCCCCCACTGCTTACCTTCCCGACTTGGTAATGACCAT[C>T]TCGGTGCCCCGCTTGTGAAACTGATCCCAAAGTTCTTTAGCCTCCAGGTGCACCTTGGGG-3'
Protein context (NP_005987.3, residues 112-132): LWDQFHKRGT[Glu122=]MVITKSGRRM